The following is an entry in ClinVar:

ClinVar aggregate classification (germline): Uncertain significance. Review status: criteria provided, multiple submitters, no conflicts (2 of 4 stars). 3 submissions from 3 submitters: Uncertain significance (3). Last evaluated 2024-08-14.

Conditions:
Inborn genetic diseases. Identifiers: MedGen C0950123, MeSH D030342.
Vitamin D-dependent rickets type II with alopecia (VDDR2A). Also called: GENERALIZED RESISTANCE TO 1,25-DIHYDROXYVITAMIN D; HYPOCALCEMIC VITAMIN D-RESISTANT RICKETS; PDDR IIA; PSEUDOVITAMIN D-DEFICIENCY, TYPE IIA; RICKETS, HEREDITARY VITAMIN D-RESISTANT; RICKETS-ALOPECIA SYNDROME. Identifiers: Orphanet 93160, MedGen C0342646, MONDO:0010186, OMIM 277440.

Allele frequency attached by ClinVar (database versions not stated): 1000 Genomes Project 30x 0.00016; 1000 Genomes Project 0.00020; TOPMed 0.00032.

Submissions (3):

Ambry Genetics
Classification: Uncertain significance for Inborn genetic diseases. Last evaluated: 2024-08-14. Review status: criteria provided, single submitter. Criteria: Ambry Variant Classification Scheme 2023. Collection method: clinical testing. Allele origin: germline.
Comment: The c.147-5G>A intronic alteration consists of a G to A substitution 5 nucleotides before coding exon 2 in the VDR gene. Based on insufficient or conflicting evidence, the clinical significance of this alteration remains unclear.

Fulgent Genetics
Classification: Uncertain significance for Vitamin D-dependent rickets type II with alopecia. Last evaluated: 2023-12-22. Review status: criteria provided, single submitter. Criteria: ACMG Guidelines, 2015. Collection method: clinical testing. Allele origin: germline.

Labcorp Genetics (formerly Invitae), Labcorp
Classification: Uncertain significance. Last evaluated: 2022-08-31. Review status: criteria provided, single submitter. Criteria: Invitae Variant Classification Sherloc (09022015). Collection method: clinical testing. Allele origin: germline.
Comment: This sequence change falls in intron 4 of the VDR gene. It does not directly change the encoded amino acid sequence of the VDR protein. This variant is present in population databases (rs200970559, gnomAD 0.01%). This variant has not been reported in the literature in individuals affected with VDR-related conditions. Algorithms developed to predict the effect of sequence changes on RNA splicing suggest that this variant may create or strengthen a splice site. In summary, the available evidence is currently insufficient to determine the role of this variant in disease. Therefore, it has been classified as a Variant of Uncertain Significance.

NM_000376.3(VDR):c.147-5G>A

Gene: VDR (vitamin D receptor; minus strand). Cytogenetic location: 12q13.11.
Variant type: single nucleotide variant.
Coding change: c.147-5G>A on transcript NM_000376.3 (MANE Select); 5 bases into the intron before coding-DNA position 147, G replaced by A.
Molecular consequence: intron variant.
Genome position (GRCh38, 1-based): chr12:47,865,182, C>T on the plus strand (G>A on the coding strand, the complement: VDR is on the minus strand). VCF-style: chr12-47865182-C-T. GRCh37 (hg19) VCF-style: chr12-48258965-C-T.
Other names: c.147-5G>A (NM_001017535.1, NM_001374662.1, NM_001364085.2 and 2 more transcripts); c.297-5G>A (NM_001017536.2).
Identifiers: ClinVar variation 2069983 (VCV002069983.3), dbSNP rs200970559, ClinGen allele CA6534019.